The following is an entry in ClinVar:

NM_024577.4(SH3TC2):c.*5999G>A

Gene: SH3TC2 (SH3 domain and tetratricopeptide repeats 2; minus strand). Cytogenetic location: 5q32.
Variant type: single nucleotide variant.
Coding change: c.*5999G>A on transcript NM_024577.4 (MANE Select); 5999 bases downstream of the stop codon, G replaced by A.
Molecular consequence: 3 prime UTR variant.
Genome position (GRCh38, 1-based): chr5:148,998,712, C>T on the plus strand (G>A on the coding strand, the complement: SH3TC2 is on the minus strand). VCF-style: chr5-148998712-C-T. GRCh37 (hg19) VCF-style: chr5-148378275-C-T.
Identifiers: ClinVar variation 351799 (VCV000351799.5), dbSNP rs79866394, ClinGen allele CA10620682.

ClinVar aggregate classification (germline): Benign. Review status: criteria provided, single submitter (1 of 4 stars). 2 submissions from 1 submitter: Benign (2). Last evaluated 2018-01-13.

Conditions:
Susceptibility to mononeuropathy of the median nerve, mild. Also called: CARPAL TUNNEL SYNDROME, SUSCEPTIBILITY TO. Identifiers: MedGen C3150596, MONDO:0013237, OMIM 613353.
Charcot-Marie-Tooth disease type 4C (CMT4C). Also called: CHARCOT-MARIE-TOOTH DISEASE, DEMYELINATING, AUTOSOMAL RECESSIVE, TYPE 4C; CMT 4C; Charcot-Marie-Tooth Neuropathy Type 4C (CMT4C); CHARCOT-MARIE-TOOTH DISEASE, DEMYELINATING, TYPE 4C; SH3TC2-Related Hereditary Motor and Sensory Neuropathy. Identifiers: Orphanet 99949, MedGen C1866636, MONDO:0011113, OMIM 601596.

Allele frequency attached by ClinVar (database versions not stated): TOPMed 0.15678; 1000 Genomes Project 30x 0.16037; 1000 Genomes Project 0.16314; gnomAD 0.16703 and 0.16993.
gnomAD v4.1: 25,906 of 152,170 alleles (17%); highest among the groups gnomAD compares: East Asian, 24%; 2,523 homozygotes.

Submissions (2):

Illumina Laboratory Services, Illumina
Classification: Benign for Susceptibility to mononeuropathy of the median nerve, mild. Last evaluated: 2018-01-13. Review status: criteria provided, single submitter. Criteria: ICSL Variant Classification Criteria 13 December 2019. Collection method: clinical testing. Allele origin: germline.
Comment: This variant was observed in the ICSL laboratory as part of a predisposition screen in an ostensibly healthy population. It had not been previously curated by ICSL or reported in the Human Gene Mutation Database (HGMD: prior to June 1st, 2018), and was therefore a candidate for classification through an automated scoring system. Utilizing variant allele frequency, disease prevalence and penetrance estimates, and inheritance mode, an automated score was calculated to assess if this variant is too frequent to cause the disease. Based on the score and internal cut-off values, a variant classified as benign is not then subjected to further curation. The score for this variant resulted in a classification of benign for this disease.

Illumina Laboratory Services, Illumina
Classification: Benign for Charcot-Marie-Tooth disease type 4C. Last evaluated: 2018-01-13. Review status: criteria provided, single submitter. Criteria: ICSL Variant Classification Criteria 13 December 2019. Collection method: clinical testing. Allele origin: germline.
Comment: the same text as in the submission from Illumina Laboratory Services, Illumina above.